The following is an entry in ClinVar:

NM_015021.3(ZNF292):c.855A>T (p.Gln285His)

Gene: ZNF292 (zinc finger protein 292; plus strand). Cytogenetic location: 6q14.3.
Variant type: single nucleotide variant.
Coding change: c.855A>T on transcript NM_015021.3 (MANE Select); coding-DNA position 855, A replaced by T.
Protein change: p.Gln285His; replaces glutamine 285 with histidine.
Molecular consequence: missense variant.
Genome position (GRCh38, 1-based): chr6:87,243,588, A>T. VCF-style: chr6-87243588-A-T. GRCh37 (hg19) VCF-style: chr6-87953306-A-T.
Other names: c.435A>T, p.Gln145His (NM_001351444.2); short protein forms Q145H, Q285H.
Identifiers: ClinVar variation 3381489 (VCV003381489.1).
Genomic context (GRCh38, chr6:87,243,588, plus strand): 5'-TGAGGGTGATGAAAAAAGCGCTCTTGTTTTATGTACTGCGTTTTTGTCACGTCAGCTCCA[A>T]CAAGGAGATATGTACTGCGCTTGGTGAGTTGATCTTTTTTTTTTTAAAGAAATATTTGTT-3'
Protein context (NP_055836.1, residues 275-295): LCTAFLSRQL[Gln285His]QGDMYCAWEL

ClinVar aggregate classification (germline): Uncertain significance (1 of 4 stars; one submission).

Submission:

GeneDx
Classification: Uncertain significance. Last evaluated: 2024-05-20. Review status: criteria provided, single submitter. Criteria: GeneDx Variant Classification Process June 2021. Collection method: clinical testing. Allele origin: germline. Affected: yes.
Comment: Not observed at significant frequency in large population cohorts (gnomAD); In silico analysis supports that this missense variant has a deleterious effect on protein structure/function; Has not been previously published as pathogenic or benign to our knowledge